The following is an entry in ClinVar:

NM_005732.4(RAD50):c.2375T>C (p.Val792Ala)

Gene: RAD50 (RAD50 double strand break repair protein; plus strand). Cytogenetic location: 5q31.1.
Variant type: single nucleotide variant.
Coding change: c.2375T>C on transcript NM_005732.4 (MANE Select); coding-DNA position 2375, T replaced by C.
Protein change: p.Val792Ala; replaces valine 792 with alanine.
Molecular consequence: missense variant.
Genome position (GRCh38, 1-based): chr5:132,603,467, T>C. VCF-style: chr5-132603467-T-C. GRCh37 (hg19) VCF-style: chr5-131939159-T-C.
Other names: short protein forms V792A.
Identifiers: ClinVar variation 821180 (VCV000821180.12), dbSNP rs1581001186, ClinGen allele CA360955027.

ClinVar aggregate classification (germline): Uncertain significance. Review status: criteria provided, multiple submitters, no conflicts (2 of 4 stars). 2 submissions from 2 submitters: Uncertain significance (2). Last evaluated 2022-12-10.

Conditions:
Hereditary cancer-predisposing syndrome. Also called: Neoplastic Syndromes, Hereditary; Tumor predisposition; Hereditary Cancer Syndrome; Hereditary neoplastic syndrome. Identifiers: Orphanet 140162, MedGen C0027672, MeSH D009386, MONDO:0015356.

Submissions (2):

Labcorp Genetics (formerly Invitae), Labcorp
Classification: Uncertain significance for Hereditary cancer-predisposing syndrome. Last evaluated: 2022-12-10. Review status: criteria provided, single submitter. Criteria: Invitae Variant Classification Sherloc (09022015). Collection method: clinical testing. Allele origin: germline.
Comment: ClinVar contains an entry for this variant (Variation ID: 821180). Advanced modeling of protein sequence and biophysical properties (such as structural, functional, and spatial information, amino acid conservation, physicochemical variation, residue mobility, and thermodynamic stability) performed at Invitae indicates that this missense variant is not expected to disrupt RAD50 protein function. In summary, the available evidence is currently insufficient to determine the role of this variant in disease. Therefore, it has been classified as a Variant of Uncertain Significance. This variant has not been reported in the literature in individuals affected with RAD50-related conditions. This sequence change replaces valine, which is neutral and non-polar, with alanine, which is neutral and non-polar, at codon 792 of the RAD50 protein (p.Val792Ala). This variant is not present in population databases (gnomAD no frequency).

Ambry Genetics
Classification: Uncertain significance for Hereditary cancer-predisposing syndrome. Last evaluated: 2018-09-30. Review status: criteria provided, single submitter. Criteria: Ambry Variant Classification Scheme 2023. Collection method: clinical testing. Allele origin: germline.
Comment: The p.V792A variant (also known as c.2375T>C), located in coding exon 14 of the RAD50 gene, results from a T to C substitution at nucleotide position 2375. The valine at codon 792 is replaced by alanine, an amino acid with similar properties. This amino acid position is not well conserved in available vertebrate species. In addition, this alteration is predicted to be tolerated by in silico analysis. Since supporting evidence is limited at this time, the clinical significance of this alteration remains unclear.